The following is an entry in ClinVar:

ClinVar aggregate classification (germline): Uncertain significance. Review status: criteria provided, multiple submitters, no conflicts (2 of 4 stars). 2 submissions from 2 submitters: Uncertain significance (2). Last evaluated 2023-10-01.

Conditions:
Retinal dystrophy. Also called: Inherited retinal dystrophy. Identifiers: Orphanet 71862, MedGen C0854723, MeSH D058499, MONDO:0019118, HP:0000556.

Allele frequency attached by ClinVar (database versions not stated): gnomAD 0.00001; gnomAD exomes 0.00003; TOPMed 0.00003; ExAC 0.00019.
gnomAD v4.1: 40 of 1,573,688 alleles (0.0025%); highest among the groups gnomAD compares: South Asian, 0.03%; no homozygotes.

Submissions (2):

Dept Of Ophthalmology, Nagoya University
Classification: Uncertain significance for Retinal dystrophy. Last evaluated: 2023-10-01. Review status: criteria provided, single submitter. Criteria: Submitter's publication. Collection method: research. Allele origin: germline. Affected: yes.

Labcorp Genetics (formerly Invitae), Labcorp
Classification: Uncertain significance. Last evaluated: 2022-07-30. Review status: criteria provided, single submitter. Criteria: Invitae Variant Classification Sherloc (09022015). Collection method: clinical testing. Allele origin: germline.
Comment: Advanced modeling of protein sequence and biophysical properties (such as structural, functional, and spatial information, amino acid conservation, physicochemical variation, residue mobility, and thermodynamic stability) performed at Invitae indicates that this missense variant is not expected to disrupt CNGB1 protein function. In summary, the available evidence is currently insufficient to determine the role of this variant in disease. Therefore, it has been classified as a Variant of Uncertain Significance. This variant has not been reported in the literature in individuals affected with CNGB1-related conditions. This variant is present in population databases (rs769302175, gnomAD 0.03%). This sequence change replaces arginine, which is basic and polar, with tryptophan, which is neutral and slightly polar, at codon 210 of the CNGB1 protein (p.Arg210Trp).

NM_001297.5(CNGB1):c.628C>T (p.Arg210Trp)

Gene: CNGB1 (cyclic nucleotide gated channel subunit beta 1; minus strand). Cytogenetic location: 16q21.
Variant type: single nucleotide variant.
Coding change: c.628C>T on transcript NM_001297.5 (MANE Select); coding-DNA position 628, C replaced by T.
Protein change: p.Arg210Trp; replaces arginine 210 with tryptophan.
Molecular consequence: missense variant.
Genome position (GRCh38, 1-based): chr16:57,960,021, G>A on the plus strand (C>T on the coding strand, the complement: CNGB1 is on the minus strand). VCF-style: chr16-57960021-G-A. GRCh37 (hg19) VCF-style: chr16-57993925-G-A.
Other names: c.628C>T, p.Arg210Trp (NM_001135639.2); c.610C>T, p.Arg204Trp (NM_001286130.2); short protein forms R210W, R204W.
Identifiers: ClinVar variation 1915188 (VCV001915188.4), dbSNP rs769302175, ClinGen allele CA8083732.
Genomic context (GRCh38, chr16:57,960,021, plus strand): 5'-CCTCCTTGGGTTCCTCCTTGGGCTGCAGGGGGATGGGTGTGGGCAGGGAGGGGGTCTCCC[G>A]GGCCTGCAGCTTGGGCCCCATTTCCTGGGGGCGTCCTGGAGGCGCTAAGCAGCGGGGAAA-3'
Protein context (NP_001288.3, residues 200-220): PQEMGPKLQA[Arg210Trp]ETPSLPTPIP